The following is an entry in ClinVar:

ClinVar aggregate classification (germline): Uncertain significance (1 of 4 stars; one submission).

Conditions:
Inborn genetic diseases. Identifiers: MedGen C0950123, MeSH D030342.

Submission:

Ambry Genetics
Classification: Uncertain significance for Inborn genetic diseases. Last evaluated: 2022-09-16. Review status: criteria provided, single submitter. Criteria: Ambry Variant Classification Scheme 2023. Collection method: clinical testing. Allele origin: germline.
Comment: The p.E527Q variant (also known as c.1579G>C), located in coding exon 12 of the EPAS1 gene, results from a G to C substitution at nucleotide position 1579. The glutamic acid at codon 527 is replaced by glutamine, an amino acid with highly similar properties. This amino acid position is conserved. In addition, this alteration is predicted to be deleterious by in silico analysis. Since supporting evidence is limited at this time, the clinical significance of this alteration remains unclear.

NM_001430.5(EPAS1):c.1579G>C (p.Glu527Gln)

Gene: EPAS1 (endothelial PAS domain protein 1; plus strand). Cytogenetic location: 2p21.
Variant type: single nucleotide variant.
Coding change: c.1579G>C on transcript NM_001430.5 (MANE Select); coding-DNA position 1579, G replaced by C.
Protein change: p.Glu527Gln; replaces glutamic acid 527 with glutamine.
Molecular consequence: missense variant.
Genome position (GRCh38, 1-based): chr2:46,380,251, G>C. VCF-style: chr2-46380251-G-C. GRCh37 (hg19) VCF-style: chr2-46607390-G-C.
Other names: short protein forms E527Q.
Identifiers: ClinVar variation 1775643 (VCV001775643.2), dbSNP rs2546476649, ClinGen allele CA346704430.
Genomic context (GRCh38, chr2:46,380,251, plus strand): 5'-CCCCCTTGCCTCTTTGCCGGTGCTGTCTCCCCTCAGACGGATTTCAATGAGCTGGACTTG[G>C]AGACACTGGCACCCTATATCCCCATGGACGGGGAAGACTTCCAGCTAAGCCCCATCTGCC-3'
Protein context (NP_001421.2, residues 517-537): TQTDFNELDL[Glu527Gln]TLAPYIPMDG